The following is an entry in ClinVar:

ClinVar aggregate classification (germline): Pathogenic (1 of 4 stars; one submission).

Conditions:
Tay-Sachs disease (TSD). Also called: HEXA DEFICIENCY; GM2 gangliosidosis, type 1; Hexosaminidase alpha-subunit deficiency (variant B); Sphingolipidosis, Tay-Sachs; Hexosaminidase A Deficiency; HEXA Disorders. Identifiers: Orphanet 845, MedGen C0039373, MONDO:0010100, OMIM 272800.

Submission:

Myriad Genetics, Inc.
Classification: Pathogenic for Tay-Sachs disease. Last evaluated: 2023-09-28. Review status: criteria provided, single submitter. Criteria: Myriad Autosomal Dominant, Autosomal Recessive and X-Linked Classification Criteria (2023). Collection method: clinical testing. Allele origin: unknown.
Comment: NM_000520.4(HEXA):c.707dupC(Q237Tfs*8) is expected to be pathogenic in the context of hexosaminidase A deficiency. This variant is predicted to lead to an abnormal or absent protein product due to the creation of a premature termination codon in HEXA, a gene where loss-of-function variants are known to be pathogenic. Please note: this variant was assessed in the context of healthy population screening.

NM_000520.6(HEXA):c.707dup (p.Gln237fs)

Gene: HEXA (hexosaminidase subunit alpha; minus strand). Cytogenetic location: 15q23.
Variant type: Duplication.
Coding change: c.707dup on transcript NM_000520.6 (MANE Select); coding-DNA position 707, one base duplicated (C; older notation c.707dupC).
Protein change: p.Gln237fs; shifts the reading frame from glutamine 237.
Molecular consequence: frameshift variant. On other transcripts: non-coding transcript variant (1).
Genome position (GRCh38, 1-based): chr15:72,350,616, G duplicated on the plus strand (C on the coding strand, the reverse complement: HEXA is on the minus strand). VCF-style (leftmost placement, unchanged base first): chr15-72350615-T-TG. GRCh37 (hg19) VCF-style: chr15-72642956-T-TG.
Other names: c.740dup, p.Gln248fs (NM_001318825.2); short protein forms Q237fs, Q248fs.
Identifiers: ClinVar variation 5012330 (VCV005012330.1).